The following is an entry in ClinVar:

ClinVar aggregate classification (germline): Pathogenic (1 of 4 stars; one submission).

Submission:

Genetic Services Laboratory, University of Chicago
Classification: Pathogenic. Last evaluated: 2019-10-31. Review status: criteria provided, single submitter. Criteria: ACMG Guidelines, 2015. Collection method: clinical testing. Allele origin: germline. Affected: yes.
Comment: This sequence change is a two base pair deletion in exon 16, c.1959_1960del. It results in an amino acid frameshift and creates a premature stop codon 18 amino acids downstream of the mutation, p.Arg653Serfs*19. This sequence change is predicted to result in an abnormal transcript, which may be degraded, or may lead to the production of a truncated WDR62 protein with potentially abnormal function. This pathogenic sequence change has not been previously described in a patient with WDR62-related disorder but other truncating variants downstream to this position have been described in patients with WDR62-related microcephaly. It has not been reported in the large population databases (ExAC and gnomAD). This sequence change was identified along with, c.1963T>A, in exon 16, that results in an amino acid change, p.Tyr655Asn.

NM_001083961.1(WDR62):c.1959_1960del

Gene: WDR62 (WD repeat domain 62; plus strand). Cytogenetic location: 19q13.12.
Variant type: Microsatellite.
Coding change: c.1959_1960del on transcript NM_001083961.1; coding-DNA positions 1959 to 1960, 2 bases deleted (AG; older notation c.1959_1960delAG).
Genome position (GRCh38, 1-based): chr19:36,090,445-36,090,446, AG deleted; deleting any 2 consecutive bases within chr19:36,090,443-36,090,446 gives the same sequence; the c. name uses the placement nearest the transcript's 3' end. VCF-style (leftmost placement, unchanged base first): chr19-36090442-CAG-C. GRCh37 (hg19) VCF-style: chr19-36581344-CAG-C.
Identifiers: ClinVar variation 1338552 (VCV001338552.5), dbSNP rs1972523297, ClinGen allele CA2333965421.